The following is an entry in ClinVar:

NM_001127511.3(APC):c.165+20015G>T

Gene: APC (APC regulator of Wnt signaling pathway; plus strand). Cytogenetic location: 5q22.2.
Variant type: single nucleotide variant.
Coding change: c.165+20015G>T on transcript NM_001127511.3; 20015 bases into the intron after coding-DNA position 165, G replaced by T.
Molecular consequence: intron variant.
Genome position (GRCh38, 1-based): chr5:112,727,897, G>T. VCF-style: chr5-112727897-G-T. GRCh37 (hg19) VCF-style: chr5-112063594-G-T.
Other names: c.-19+20248G>T (NM_001407457.1, NM_001407458.1, NM_001407448.1 and 1 more transcripts); c.-43+20248G>T (NM_001407453.1); c.-1054+20015G>T (NM_001407470.1, NM_001407472.1); c.-19+20015G>T (NM_001407447.1, NM_001354895.2, NM_001407456.1 and 3 more transcripts); c.165+20015G>T (NM_001407446.1, NM_001354897.2, NM_001354902.2).
Identifiers: ClinVar variation 82288 (VCV000082288.4), dbSNP rs79707630, ClinGen allele CA023459.

ClinVar aggregate classification (germline): other (0 of 4 stars; one submission).

Conditions:
Familial colorectal cancer. Identifiers: MedGen CN280943, MONDO:0023113. Disease mechanism: loss of function.

Submission:

Systems Biology Platform Zhejiang California International NanoSystems Institute
Classification: other for Familial colorectal cancer. Review status: no assertion criteria provided. Collection method: not provided. Allele origin: unknown.
ClinVar note: Converted during submission from cancer to other.